The following is an entry in ClinVar:

ClinVar aggregate classification (germline): Uncertain significance (1 of 4 stars; one submission).

Conditions:
Spermatogenic failure 18. Identifiers: MedGen C4539783, MONDO:0054615, OMIM 617576.
Ciliary dyskinesia, primary, 37 (CILD37). Also called: CILIARY DYSKINESIA, PRIMARY, 37, WITH OR WITHOUT SITUS INVERSUS. Identifiers: MedGen C4539798, MONDO:0033204, OMIM 617577.

Submission:

Labcorp Genetics (formerly Invitae), Labcorp
Classification: Uncertain significance for Ciliary dyskinesia, primary, 37; Spermatogenic failure 18. Last evaluated: 2018-05-30. Review status: criteria provided, single submitter. Criteria: Invitae Variant Classification Sherloc (09022015). Collection method: clinical testing. Allele origin: germline.
Comment: This sequence change replaces arginine with proline at codon 3892 of the DNAH1 protein (p.Arg3892Pro). The arginine residue is highly conserved and there is a moderate physicochemical difference between arginine and proline. This variant is not present in population databases (ExAC no frequency). This variant has not been reported in the literature in individuals with DNAH1-related disease. Algorithms developed to predict the effect of missense changes on protein structure and function are either unavailable or do not agree on the potential impact of this missense change (SIFT: "Deleterious"; PolyPhen-2: "Probably Damaging"; Align-GVGD: "Class C0"). In summary, the available evidence is currently insufficient to determine the role of this variant in disease. Therefore, it has been classified as a Variant of Uncertain Significance.

NM_015512.5(DNAH1):c.11675_11676delinsCT (p.Arg3892Pro)

Gene: DNAH1 (dynein axonemal heavy chain 1; plus strand). Cytogenetic location: 3p21.1.
Variant type: Indel.
Coding change: c.11675_11676delinsCT on transcript NM_015512.5 (MANE Select); coding-DNA positions 11675 to 11676, GC replaced by CT.
Protein change: p.Arg3892Pro; replaces arginine 3892 with proline.
Molecular consequence: missense variant.
Genome position (GRCh38, 1-based): chr3:52,396,932-52,396,933, GC replaced by CT. VCF-style: chr3-52396932-GC-CT. GRCh37 (hg19) VCF-style: chr3-52430948-GC-CT.
Other names: short protein forms R3892P.
Identifiers: ClinVar variation 573360 (VCV000573360.4), dbSNP rs1559576250, ClinGen allele CA891842890.